The following is an entry in ClinVar:

NM_000136.3(FANCC):c.583G>C (p.Asp195His)

Genes: AOPEP (aminopeptidase O (putative); plus strand), FANCC (FA complementation group C; minus strand). Cytogenetic location: 9q22.32.
Variant type: single nucleotide variant.
Coding change: c.583G>C on transcript NM_000136.3 (MANE Select); coding-DNA position 583, G replaced by C.
Protein change: p.Asp195His; replaces aspartic acid 195 with histidine.
Molecular consequence: missense variant.
Genome position (GRCh38, 1-based): chr9:95,150,026, C>G on the plus strand (G>C on the coding strand, the complement: FANCC is on the minus strand). VCF-style: chr9-95150026-C-G. GRCh37 (hg19) VCF-style: chr9-97912308-C-G.
Other names: c.583G>C, p.Asp195His (NM_001243743.2, NM_001243744.2); short protein forms D195H.
Identifiers: ClinVar variation 998233 (VCV000998233.5), dbSNP rs774140528, ClinGen allele CA5137687.
Genomic context (GRCh38, chr9:95,150,026, plus strand): 5'-GGATTTCCTGAGGTTCACGTCCATGACAGATGAGGAGAGCCTCCACCAGGGGGTCAACAT[C>G]TGTCAGGGTAATAAGTGGGACACAAACTCGTGACAGGGACGCCACTCGCTCGGGAGCCAT-3'
Protein context (NP_000127.2, residues 185-205): RVCVPLITLT[Asp195His]VDPLVEALLI

ClinVar aggregate classification (germline): Uncertain significance. Review status: criteria provided, multiple submitters, no conflicts (2 of 4 stars). 3 submissions from 3 submitters: Uncertain significance (3). Last evaluated 2021-05-13.

Conditions:
Fanconi anemia complementation group C (FANCC). Also called: FANCC-Related Fanconi Anemia; FANCONI PANCYTOPENIA, TYPE 3; FACC; Fanconi anemia, group C. Identifiers: Orphanet 84, MedGen C3468041, MONDO:0009213, OMIM 227645.
Hereditary cancer-predisposing syndrome. Also called: Neoplastic Syndromes, Hereditary; Hereditary Cancer Syndrome; Tumor predisposition; Hereditary neoplastic syndrome. Identifiers: Orphanet 140162, MedGen C0027672, MeSH D009386, MONDO:0015356.

Allele frequency attached by ClinVar (database versions not stated): gnomAD exomes below 0.00001; ExAC 0.00001; gnomAD 0.00001; TOPMed 0.00001.
gnomAD v4.1: 2 of 1,614,060 alleles (0.00012%); highest among the groups gnomAD compares: African/African-American, 0.0027%; no homozygotes.

Submissions (3):

Ambry Genetics
Classification: Uncertain significance for Hereditary cancer-predisposing syndrome. Last evaluated: 2021-05-13. Review status: criteria provided, single submitter. Criteria: Ambry Variant Classification Scheme 2023. Collection method: clinical testing. Allele origin: germline.
Comment: The p.D195H variant (also known as c.583G>C), located in coding exon 6 of the FANCC gene, results from a G to C substitution at nucleotide position 583. The aspartic acid at codon 195 is replaced by histidine, an amino acid with similar properties. This amino acid position is well conserved in available vertebrate species. In addition, the in silico prediction for this alteration is inconclusive. Since supporting evidence is limited at this time, the clinical significance of this alteration remains unclear.

Baylor Genetics
Classification: Uncertain significance for Fanconi anemia complementation group C. Last evaluated: 2020-03-10. Review status: criteria provided, single submitter. Criteria: ACMG Guidelines, 2015. Collection method: clinical testing. Allele origin: unknown. Affected: yes. Study: CSER-TexasKidsCanSeq.
Comment: This variant was determined to be of uncertain significance according to ACMG Guidelines, 2015 [PMID:25741868].

GeneDx
Classification: Uncertain significance. Last evaluated: 2020-02-11. Review status: criteria provided, single submitter. Criteria: GeneDx Variant Classification Process June 2021. Collection method: clinical testing. Allele origin: germline. Affected: yes.
Comment: Not observed at a significant frequency in large population cohorts (Lek 2016); In silico analysis supports that this missense variant has a deleterious effect on protein structure/function; Has not been previously published as pathogenic or benign to our knowledge